The following is an entry in ClinVar:

ClinVar aggregate classification (germline): Conflicting classifications of pathogenicity. Review status: criteria provided, conflicting classifications (1 of 4 stars). 2 submissions from 2 submitters: Uncertain significance (1); Likely benign (1). Last evaluated 2022-07-22.

Conditions:
Dilated cardiomyopathy 1G (CMD1G). Identifiers: Orphanet 154, MedGen C1858763, MONDO:0011400, OMIM 604145.
Autosomal recessive limb-girdle muscular dystrophy type 2J (LGMDR10). Also called: Limb-girdle muscular dystrophy, type 2J; MUSCULAR DYSTROPHY, LIMB-GIRDLE, AUTOSOMAL RECESSIVE 10. Identifiers: Orphanet 140922, MedGen C1837342, MONDO:0012127, OMIM 608807.
TTN-related myopathy. Identifiers: MedGen CN294812, MONDO:0100175.

Allele frequency attached by ClinVar (database versions not stated): gnomAD exomes below 0.00001.
gnomAD v4.1: 3 of 1,613,870 alleles (0.00019%); highest among the groups gnomAD compares: Non-Finnish European, 0.00025%; no homozygotes.

Submissions (2):

Clinical Genomics Laboratory, Stanford Medicine
Classification: Uncertain significance for Dilated cardiomyopathy 1G; TTN-related myopathy. Last evaluated: 2022-07-22. Review status: criteria provided, single submitter. Criteria: ACMG Guidelines, 2015. Collection method: clinical testing. Allele origin: germline. Observed: 1 variant allele, 1 heterozygote.
Comment: The c.9989-5T>G variant in the TTN gene has not been previously reported in association with disease. This variant was absent from large population databases, including the Genome Aggregation Database. This variant is present in ClinVar (Accession: VCV000238877.11). This variant occurs in the 3’ splice site and computational tools do not consistently predict an impact to splicing; however, the accuracy of these computational tools is limited. These data were assessed using the ACMG/AMP variant interpretation guidelines. In summary, the significance of the c.9989-5T>G variant is uncertain. Additional information is needed to resolve the significance of this variant. [ACMG evidence codes used: PM2]

Labcorp Genetics (formerly Invitae), Labcorp
Classification: Likely benign for Dilated cardiomyopathy 1G; Autosomal recessive limb-girdle muscular dystrophy type 2J. Last evaluated: 2016-03-04. Review status: criteria provided, single submitter. Criteria: Invitae Variant Classification Sherloc (09022015). Collection method: clinical testing. Allele origin: germline.

NM_001267550.2(TTN):c.9989-5T>G

Gene: TTN (titin; minus strand). Cytogenetic location: 2q31.2.
Variant type: single nucleotide variant.
Coding change: c.9989-5T>G on transcript NM_001267550.2 (MANE Select); 5 bases into the intron before coding-DNA position 9989, T replaced by G.
Molecular consequence: intron variant.
Genome position (GRCh38, 1-based): chr2:178,764,307, A>C on the plus strand (T>G on the coding strand, the complement: TTN is on the minus strand). VCF-style: chr2-178764307-A-C. GRCh37 (hg19) VCF-style: chr2-179629034-A-C.
Other names: c.9851-5T>G (NM_003319.4, NM_133437.4, NM_133432.3); c.9989-5T>G (NM_133378.4, NM_001256850.1, NM_133379.5 and 1 more transcripts).
Identifiers: ClinVar variation 238877 (VCV000238877.12), dbSNP rs878854434, ClinGen allele CA10581897.
Genomic context (GRCh38, chr2:178,764,307, plus strand): 5'-GATGATGGCAGGTGGATAAACAGGCATTTCCTGATCAGGAGACACAACTTCTGGAACTAA[A>C]GAAAGAAACCACAAGATTTGTCATGATTAAGTCACCATAGAGACCTCACAGAAGGGAGCA-3'